The following is an entry in ClinVar:

NM_006180.6(NTRK2):c.1279G>T (p.Gly427Cys)

Gene: NTRK2 (neurotrophic receptor tyrosine kinase 2; plus strand). Cytogenetic location: 9q21.33.
Variant type: single nucleotide variant.
Coding change: c.1279G>T on transcript NM_006180.6 (MANE Select); coding-DNA position 1279, G replaced by T.
Protein change: p.Gly427Cys; replaces glycine 427 with cysteine.
Molecular consequence: missense variant.
Genome position (GRCh38, 1-based): chr9:84,745,056, G>T. VCF-style: chr9-84745056-G-T. GRCh37 (hg19) VCF-style: chr9-87359971-G-T.
Other names: c.1279G>T, p.Gly427Cys (NM_001007097.3, NM_001018064.3, NM_001018065.2 and 15 more transcripts); c.1240G>T, p.Gly414Cys (NM_001291937.2, NM_001369546.1); c.1243G>T, p.Gly415Cys (NM_001369534.1); c.811G>T, p.Gly271Cys (NM_001369535.1, NM_001369536.1, NM_001369550.1 and 2 more transcripts); short protein forms G271C, G414C, G415C, G427C.
Identifiers: ClinVar variation 983314 (VCV000983314.2), dbSNP rs142393662, ClinGen allele CA374006995.

ClinVar aggregate classification (germline): Likely pathogenic (1 of 4 stars; one submission).

Conditions:
Obesity, hyperphagia, and developmental delay (OBHD). Identifiers: Orphanet 99704, MedGen C3151303, MONDO:0013483, OMIM 613886.
Developmental and epileptic encephalopathy, 58. Also called: EPILEPTIC ENCEPHALOPATHY, EARLY INFANTILE, 58. Identifiers: MedGen C4693367, MONDO:0033367, OMIM 617830.

Submission:

New York Genome Center
Classification: Likely pathogenic for Developmental and epileptic encephalopathy, 58; Obesity, hyperphagia, and developmental delay. Last evaluated: 2020-01-08. Review status: criteria provided, single submitter. Criteria: NYGC Assertion Criteria 2020. Collection method: clinical testing. Allele origin: de novo. Affected: yes. Observed: 1 heterozygote. Study: CSER-NYCKidSeq.
Comment: The c.1279G>T (p.Gly427Cys) variant identified in the NTRK2 gene substitutes a well conserved Glycine for Cysteine at amino acid 427/839 (coding exon 13/21). This variant is absent from gnomAD suggesting it is not a common benign variant in the populations represented in this database. In silico algorithms do not agree on the effect of this variant, as it is predicted both Neutral (Provean; score: -1.75) and Damaging (SIFT; score: 0.023) to the function of the canonical transcript. The p.Gly427 residue is outside of a mapped domain, however itis 7 amino acids upstream of the recurrent pathogenic p.Tyr434Cys variant identified in several individuals affected with epileptic encephalopathy [PMID: 29100083]. This variant was identified de novo in an indiviudal submitted for clinical WGS. The c.1279G>T (p.Gly427Cys) variant identified in the NTRK2 gene is reported here as Likely Pathogenic.